The following is an entry in ClinVar:

NM_000051.4(ATM):c.8292T>C (p.Ser2764=)

Genes: ATM (ATM serine/threonine kinase; plus strand), C11orf65 (chromosome 11 open reading frame 65; minus strand). Cytogenetic location: 11q22.3.
Variant type: single nucleotide variant.
Coding change: c.8292T>C on transcript NM_000051.4 (MANE Select); coding-DNA position 8292, T replaced by C.
Protein change: p.Ser2764=; no amino-acid change (serine 2764 retained).
Molecular consequence: synonymous variant. On other transcripts: intron variant (2).
Genome position (GRCh38, 1-based): chr11:108,343,245, T>C. VCF-style: chr11-108343245-T-C. GRCh37 (hg19) VCF-style: chr11-108213972-T-C.
Other names: c.8292T>C, p.Ser2764= (NM_001351834.2); c.641-34174A>G (NM_001330368.2); c.695-7953A>G (NM_001351110.2).
Identifiers: ClinVar variation 1125985 (VCV001125985.35), dbSNP rs781690523, ClinGen allele CA6266347.

ClinVar aggregate classification (germline): Benign/Likely benign. Review status: criteria provided, multiple submitters, no conflicts (2 of 4 stars). 6 submissions from 6 submitters: Benign (1); Likely benign (5). Last evaluated 2025-07-28.

Conditions:
Ataxia-telangiectasia syndrome (AT). Also called: Ataxia telangiectasia (A-T); ATAXIA-TELANGIECTASIA, COMPLEMENTATION GROUP A; ATAXIA-TELANGIECTASIA, FRESNO VARIANT; Ataxia-telangiectasia; Ataxia-telangiectasia, complementation group E; LOUIS-BAR SYNDROME. Identifiers: Orphanet 100, MedGen C0004135, MONDO:0008840, OMIM 208900.
Hereditary cancer-predisposing syndrome. Also called: Neoplastic Syndromes, Hereditary; Tumor predisposition; Hereditary Cancer Syndrome; Hereditary neoplastic syndrome. Identifiers: Orphanet 140162, MedGen C0027672, MeSH D009386, MONDO:0015356.
Familial cancer of breast. Also called: Hereditary breast cancer; hereditary breast carcinoma; BREAST CANCER, FAMILIAL. Identifiers: Orphanet 227535, MedGen C0346153, MONDO:0016419, OMIM 114480. Disease mechanism: loss of function.

Allele frequency attached by ClinVar (database versions not stated): TOPMed below 0.00001; ExAC 0.00001; gnomAD exomes below 0.00001.
gnomAD v4.1: 1 of 1,613,964 alleles (0.000062%); highest among the groups gnomAD compares: Admixed American, 0.0017%; no homozygotes.

Submissions (6):

Women's Health and Genetics/Laboratory Corporation of America, LabCorp
Classification: Likely benign. Last evaluated: 2025-07-28. Review status: criteria provided, single submitter. Criteria: LabCorp Variant Classification Summary - May 2015. Collection method: clinical testing. Allele origin: germline.

Labcorp Genetics (formerly Invitae), Labcorp
Classification: Likely benign for Ataxia-telangiectasia syndrome. Last evaluated: 2025-06-01. Review status: criteria provided, single submitter. Criteria: Invitae Variant Classification Sherloc (09022015). Collection method: clinical testing. Allele origin: germline.

Myriad Genetics, Inc.
Classification: Benign for Familial cancer of breast. Last evaluated: 2024-06-19. Review status: criteria provided, single submitter. Criteria: Myriad Autosomal Dominant, Autosomal Recessive and X-Linked Classification Criteria (2023). Collection method: clinical testing. Allele origin: unknown.
Comment: This variant is considered benign. This variant is a silent/synonymous amino acid change and it is not expected to impact splicing.

CeGaT Center for Human Genetics Tuebingen
Classification: Likely benign. Last evaluated: 2024-01-01. Review status: criteria provided, single submitter. Criteria: CeGaT Center For Human Genetics Tuebingen Variant Classification Criteria Version 2. Collection method: clinical testing. Allele origin: germline. Affected: yes. Observed: 1 variant allele.
Comment: ATM: BP4, BP7

Ambry Genetics
Classification: Likely benign for Hereditary cancer-predisposing syndrome. Last evaluated: 2021-05-31. Review status: criteria provided, single submitter. Criteria: Ambry Variant Classification Scheme 2023. Collection method: clinical testing. Allele origin: germline.

Color Diagnostics, LLC DBA Color Health
Classification: Likely benign for Hereditary cancer-predisposing syndrome. Last evaluated: 2021-02-18. Review status: criteria provided, single submitter. Criteria: ACMG Guidelines, 2015. Collection method: clinical testing. Allele origin: germline.